The following is an entry in ClinVar:

NM_000238.4(KCNH2):c.2721C>T (p.Ala907=)

Gene: KCNH2 (potassium voltage-gated channel subfamily H member 2; minus strand). Cytogenetic location: 7q36.1.
Variant type: single nucleotide variant.
Coding change: c.2721C>T on transcript NM_000238.4 (MANE Select); coding-DNA position 2721, C replaced by T.
Protein change: p.Ala907=; no amino-acid change (alanine 907 retained).
Molecular consequence: synonymous variant.
Genome position (GRCh38, 1-based): chr7:150,947,850, G>A on the plus strand (C>T on the coding strand, the complement: KCNH2 is on the minus strand). VCF-style: chr7-150947850-G-A. GRCh37 (hg19) VCF-style: chr7-150644938-G-A.
Other names: c.1701C>T, p.Ala567= (NM_172057.3).
Identifiers: ClinVar variation 927550 (VCV000927550.71), dbSNP rs1800974519, ClinGen allele CA458870853.

ClinVar aggregate classification (germline): Likely benign. Review status: criteria provided, multiple submitters, no conflicts (2 of 4 stars). 5 submissions from 5 submitters: Likely benign (5). Last evaluated 2025-11-20.

Conditions:
Cardiac arrhythmia. Also called: Cardiac rhythm disease; Arrhythmia. Identifiers: MedGen C0003811, MONDO:0007263, HP:0011675.
Cardiovascular phenotype. Identifiers: MedGen CN230736.
Long QT syndrome (LQTS). Identifiers: MedGen C0023976, MeSH D008133, MONDO:0002442. Disease mechanism: loss of function. Inheritance: Various modes of inheritance.

Allele frequency attached by ClinVar (database versions not stated): gnomAD exomes below 0.00001.
gnomAD v4.1: 1 of 1,528,034 alleles (0.000065%); highest among the groups gnomAD compares: Non-Finnish European, 0.000087%; no homozygotes.

Submissions (5):

Labcorp Genetics (formerly Invitae), Labcorp
Classification: Likely benign for Long QT syndrome. Last evaluated: 2025-11-20. Review status: criteria provided, single submitter. Criteria: Invitae Variant Classification Sherloc (09022015). Collection method: clinical testing. Allele origin: germline.

CeGaT Center for Human Genetics Tuebingen
Classification: Likely benign. Last evaluated: 2023-12-01. Review status: criteria provided, single submitter. Criteria: CeGaT Center For Human Genetics Tuebingen Variant Classification Criteria Version 2. Collection method: clinical testing. Allele origin: germline. Affected: yes. Observed: 1 variant allele.
Comment: KCNH2: PM2:Supporting, BP4, BP7

All of Us Research Program, National Institutes of Health
Classification: Likely benign for Long QT syndrome. Last evaluated: 2023-08-15. Review status: criteria provided, single submitter. Criteria: ACMG Guidelines, 2015. Collection method: clinical testing. Allele origin: germline. Inheritance: Autosomal dominant inheritance. Observed: 1 variant allele, 1 heterozygote.
Comment: This study involves interpretation of variants in research participants for the purpose of population health screening. Participant phenotype was not available at the time of variant classification. Additional details can be found in publication PMID: 35346344, PMCID: PMC8962531

Ambry Genetics
Classification: Likely benign for Cardiovascular phenotype. Last evaluated: 2021-01-04. Review status: criteria provided, single submitter. Criteria: Ambry Variant Classification Scheme 2023. Collection method: clinical testing. Allele origin: germline.

Color Diagnostics, LLC DBA Color Health
Classification: Likely benign for Arrhythmia. Last evaluated: 2018-11-24. Review status: criteria provided, single submitter. Criteria: ACMG Guidelines, 2015. Collection method: clinical testing. Allele origin: germline.